The following is an entry in ClinVar:

NM_004329.3(BMPR1A):c.1167-1G>A

Gene: BMPR1A (bone morphogenetic protein receptor type 1A; plus strand). Cytogenetic location: 10q23.2.
Variant type: single nucleotide variant.
Coding change: c.1167-1G>A on transcript NM_004329.3 (MANE Select); the canonical splice acceptor site of the intron before coding-DNA position 1167, G replaced by A.
Molecular consequence: splice acceptor variant.
Genome position (GRCh38, 1-based): chr10:86,921,519, G>A. VCF-style: chr10-86921519-G-A. GRCh37 (hg19) VCF-style: chr10-88681276-G-A.
Other names: c.1167-1G>A (NM_001406562.1, NM_001406568.1, NM_001406567.1 and 19 more transcripts); c.1083-1G>A (NM_001406584.1, NM_001406588.1, NM_001406587.1 and 2 more transcripts); c.1215-1G>A (NM_001406560.1); c.1242-1G>A (NM_001406559.1); c.1161-1G>A (NM_001406583.1); c.825-1G>A (NM_001406589.1).
Identifiers: ClinVar variation 822267 (VCV000822267.5), dbSNP rs1589292553, ClinGen allele CA377461798.
Genomic context (GRCh38, chr10:86,921,519, plus strand): 5'-TACAAGATAAACTATTTTATTTTTGGCCCTCAACTTGGACCTTGGCTTTCTTTTGTTTCA[G>A]TGACACAAATGAAGTTGATGTGCCCTTGAATACCAGGGTGGGCACCAAACGCTACATGGC-3'

ClinVar aggregate classification (germline): Likely pathogenic (1 of 4 stars; one submission).

Conditions:
Hereditary cancer-predisposing syndrome. Also called: Tumor predisposition; Hereditary Cancer Syndrome; Neoplastic Syndromes, Hereditary; Hereditary neoplastic syndrome. Identifiers: Orphanet 140162, MedGen C0027672, MeSH D009386, MONDO:0015356.

Submission:

Ambry Genetics
Classification: Likely pathogenic for Hereditary cancer-predisposing syndrome. Last evaluated: 2023-07-06. Review status: criteria provided, single submitter. Criteria: Ambry Variant Classification Scheme 2023. Collection method: clinical testing. Allele origin: germline.
Comment: The c.1167-1G>A intronic variant results from a G to A substitution one nucleotide upstream from coding exon 9 of the BMPR1A gene. This nucleotide position is highly conserved in available vertebrate species. In silico splice site analysis predicts that this alteration will weaken the native splice acceptor site and will result in the creation or strengthening of a novel splice acceptor site. Alterations that disrupt the canonical splice site are expected to cause aberrant splicing, resulting in an abnormal protein or a transcript that is subject to nonsense-mediated mRNA decay. As such, this alteration is classified as likely pathogenic.